The following is an entry in ClinVar:

NM_000059.4(BRCA2):c.6938-2A>T

Gene: BRCA2 (BRCA2 DNA repair associated; plus strand). Cytogenetic location: 13q13.1.
Variant type: single nucleotide variant.
Coding change: c.6938-2A>T on transcript NM_000059.4 (MANE Select); the canonical splice acceptor site of the intron before coding-DNA position 6938, A replaced by T.
Molecular consequence: splice acceptor variant.
Genome position (GRCh38, 1-based): chr13:32,346,825, A>T. VCF-style: chr13-32346825-A-T. GRCh37 (hg19) VCF-style: chr13-32920962-A-T.
Other names: c.6938-2A>T (NM_001432077.1, NM_001406720.1); c.6842-2A>T (NM_001406719.1); c.2006-2A>T (NM_001406721.1); c.521-2A>T (NM_001406722.1).
Identifiers: ClinVar variation 4294208 (VCV004294208.1).
Genomic context (GRCh38, chr13:32,346,825, plus strand): 5'-CAGTAACATGGATATTCTCTTAGATTTTAACTAATATGTAATATAAAATAATTGTTTCCT[A>T]GGCACAATAAAAGATCGAAGATTGTTTATGCATCATGTTTCTTTAGAGCCGATTACCTGT-3'

ClinVar aggregate classification (germline): Likely pathogenic (1 of 4 stars; one submission).

Conditions:
Breast-ovarian cancer, familial, susceptibility to, 2 (BROVCA2). Also called: BRCA2 Hereditary Breast and Ovarian Cancer. Identifiers: Orphanet 145, MedGen C2675520, MONDO:0012933, OMIM 612555. Disease mechanism: loss of function.

Submission:

Myriad Genetics, Inc.
Classification: Likely pathogenic for Breast-ovarian cancer, familial, susceptibility to, 2. Last evaluated: 2025-07-02. Review status: criteria provided, single submitter. Criteria: Myriad Autosomal Dominant, Autosomal Recessive and X-Linked Classification Criteria (2023). Collection method: clinical testing. Allele origin: unknown.
Comment: This variant is considered likely pathogenic. This variant occurs within a consensus splice junction and is predicted to result in abnormal mRNA splicing of either an out-of-frame exon or an in-frame exon necessary for protein stability and/or normal function.